The following is an entry in ClinVar:

NM_004304.5(ALK):c.469C>A (p.Pro157Thr)

Gene: ALK (ALK receptor tyrosine kinase; minus strand). Cytogenetic location: 2p23.1.
Variant type: single nucleotide variant.
Coding change: c.469C>A on transcript NM_004304.5 (MANE Select); coding-DNA position 469, C replaced by A.
Protein change: p.Pro157Thr; replaces proline 157 with threonine.
Molecular consequence: missense variant.
Genome position (GRCh38, 1-based): chr2:29,920,191, G>T on the plus strand (C>A on the coding strand, the complement: ALK is on the minus strand). VCF-style: chr2-29920191-G-T. GRCh37 (hg19) VCF-style: chr2-30143057-G-T.
Other names: short protein forms P157T.
Identifiers: ClinVar variation 1440259 (VCV001440259.12), dbSNP rs74774946, ClinGen allele CA346589984.
Genomic context (GRCh38, chr2:29,920,191, plus strand): 5'-ACCAACTGAACAGCTCGCTGAGATTGAACTGGAGCAGCCCCACAGCCGCCTCCCCGGGGG[G>T]CCCGACGCAACCCTCCAAGATCGCCTCCTCGCCCAGCTCCAGCACCAACTGCTTGGCACG-3'
Protein context (NP_004295.2, residues 147-167): EEAILEGCVG[Pro157Thr]PGEAAVGLLQ

ClinVar aggregate classification (germline): Uncertain significance. Review status: criteria provided, multiple submitters, no conflicts (2 of 4 stars). 3 submissions from 3 submitters: Uncertain significance (3). Last evaluated 2024-08-27.

Conditions:
Hereditary cancer-predisposing syndrome. Also called: Neoplastic Syndromes, Hereditary; Hereditary Cancer Syndrome; Tumor predisposition; Hereditary neoplastic syndrome. Identifiers: Orphanet 140162, MedGen C0027672, MeSH D009386, MONDO:0015356.
Neuroblastoma, susceptibility to, 3. Also called: ALK-Related Neuroblastic Tumor Susceptibility. Identifiers: Orphanet 635, MedGen C2751681, MONDO:0013083, OMIM 613014.

gnomAD v4.1: 13 of 1,612,902 alleles (0.00081%); highest among the groups gnomAD compares: Non-Finnish European, 0.001%; no homozygotes.

Submissions (3):

Labcorp Genetics (formerly Invitae), Labcorp
Classification: Uncertain significance for Neuroblastoma, susceptibility to, 3. Last evaluated: 2024-08-27. Review status: criteria provided, single submitter. Criteria: Invitae Variant Classification Sherloc (09022015). Collection method: clinical testing. Allele origin: germline.
Comment: This sequence change replaces proline, which is neutral and non-polar, with threonine, which is neutral and polar, at codon 157 of the ALK protein (p.Pro157Thr). This variant is not present in population databases (gnomAD no frequency). This variant has not been reported in the literature in individuals affected with ALK-related conditions. ClinVar contains an entry for this variant (Variation ID: 1440259). An algorithm developed to predict the effect of missense changes on protein structure and function (PolyPhen-2) suggests that this variant is likely to be tolerated. In summary, the available evidence is currently insufficient to determine the role of this variant in disease. Therefore, it has been classified as a Variant of Uncertain Significance.

Ambry Genetics
Classification: Uncertain significance for Hereditary cancer-predisposing syndrome. Last evaluated: 2024-08-21. Review status: criteria provided, single submitter. Criteria: Ambry Variant Classification Scheme 2023. Collection method: clinical testing. Allele origin: germline.
Comment: The p.P157T variant (also known as c.469C>A), located in coding exon 1 of the ALK gene, results from a C to A substitution at nucleotide position 469. The proline at codon 157 is replaced by threonine, an amino acid with highly similar properties. This amino acid position is conserved. In addition, this alteration is predicted to be tolerated by in silico analysis. Since supporting evidence is limited at this time, the clinical significance of this alteration remains unclear.

Baylor Genetics
Classification: Uncertain significance for Neuroblastoma, susceptibility to, 3. Last evaluated: 2023-09-15. Review status: criteria provided, single submitter. Criteria: ACMG Guidelines, 2015. Collection method: clinical testing. Allele origin: unknown.